The following is an entry in ClinVar:

NM_000492.4(CFTR):c.3874-200G>A

Gene: CFTR (CF transmembrane conductance regulator; plus strand). Cytogenetic location: 7q31.2.
Variant type: single nucleotide variant.
Coding change: c.3874-200G>A on transcript NM_000492.4 (MANE Select); 200 bases into the intron before coding-DNA position 3874, G replaced by A.
Molecular consequence: intron variant.
Genome position (GRCh38, 1-based): chr7:117,652,642, G>A. VCF-style: chr7-117652642-G-A. GRCh37 (hg19) VCF-style: chr7-117292696-G-A.
Identifiers: ClinVar variation 818097 (VCV000818097.4), dbSNP rs214164, ClinGen allele CA15536442.
Genomic context (GRCh38, chr7:117,652,642, plus strand): 5'-TTCTTTATTCTAAAGACATTGGGATTAGAAAAATGTTCACAAGGGACTCCAAATATTGCT[G>A]TAGTATTTGTTTCTTAAAAGAATGATACAAAGCAGACATGATAAAATATTAAAATTTGAG-3'

ClinVar aggregate classification (germline): Benign. Review status: criteria provided, multiple submitters, no conflicts (2 of 4 stars). 3 submissions from 3 submitters: Benign (3). Last evaluated 2018-06-21.

Conditions:
Cystic fibrosis (CF). Also called: MUCOVISCIDOSIS. Identifiers: Orphanet 586, MedGen C0010674, MONDO:0009061, OMIM 219700. Disease mechanism: loss of function.

Allele frequency attached by ClinVar (database versions not stated): gnomAD 0.18968 and 0.18730; 1000 Genomes Project 0.14896; TOPMed 0.17783; 1000 Genomes Project 30x 0.15053.
gnomAD v4.1: 28,410 of 151,930 alleles (19%); highest among the groups gnomAD compares: Non-Finnish European, 20%; 2,847 homozygotes.

Submissions (3):

GeneDx
Classification: Benign. Last evaluated: 2018-06-21. Review status: criteria provided, single submitter. Criteria: GeneDx Variant Classification Process June 2021. Collection method: clinical testing. Allele origin: germline. Affected: yes.

CFTR-France
Classification: Benign for cystic fibrosis. Last evaluated: 2018-01-29. Review status: criteria provided, single submitter. Criteria: Claustres M et al. (Hum Mutat 2017). Collection method: curation. Allele origin: germline. Affected: yes and no.
Comment: the variant does not result in CFTR-RD neither

Breakthrough Genomics
Classification: Benign. Review status: criteria provided, single submitter. Criteria: ACMG Guidelines, 2015. Collection method: not provided. Allele origin: germline. Inheritance: Autosomal recessive inheritance. Affected: yes.